The following is an entry in ClinVar:

NM_001009999.3(KDM1A):c.312T>C (p.Thr104=)

Gene: KDM1A (lysine demethylase 1A; plus strand). Cytogenetic location: 1p36.12.
Variant type: single nucleotide variant.
Coding change: c.312T>C on transcript NM_001009999.3 (MANE Select); coding-DNA position 312, T replaced by C.
Protein change: p.Thr104=; no amino-acid change (threonine 104 retained).
Molecular consequence: synonymous variant.
Genome position (GRCh38, 1-based): chr1:23,019,908, T>C. VCF-style: chr1-23019908-T-C. GRCh37 (hg19) VCF-style: chr1-23346401-T-C.
Other names: c.312T>C, p.Thr104= (NM_001363654.2, NM_001410762.1, NM_001410763.1 and 1 more transcripts); c.312T>C (NM_001009999.2).
Identifiers: ClinVar variation 1976442 (VCV001976442.31), dbSNP rs1021724556, ClinGen allele CA19199026.

ClinVar aggregate classification (germline): Likely benign. Review status: criteria provided, multiple submitters, no conflicts (2 of 4 stars). 4 submissions from 4 submitters: Likely benign (4). Last evaluated 2026-01-02.

Conditions:
Inborn genetic diseases. Identifiers: MedGen C0950123, MeSH D030342.

Allele frequency attached by ClinVar (database versions not stated): TOPMed below 0.00001; gnomAD 0.00001; gnomAD exomes 0.00001.
gnomAD v4.1: 10 of 1,573,196 alleles (0.00064%); highest among the groups gnomAD compares: Middle Eastern, 0.13%; no homozygotes.

Submissions (4):

Labcorp Genetics (formerly Invitae), Labcorp
Classification: Likely benign. Last evaluated: 2026-01-02. Review status: criteria provided, single submitter. Criteria: Invitae Variant Classification Sherloc (09022015). Collection method: clinical testing. Allele origin: germline.

Ambry Genetics
Classification: Likely benign for Inborn genetic diseases. Last evaluated: 2024-11-22. Review status: criteria provided, single submitter. Criteria: Ambry Variant Classification Scheme 2023. Collection method: clinical testing. Allele origin: germline.

Blueprint Genetics
Classification: Likely benign. Last evaluated: 2023-09-11. Review status: criteria provided, single submitter. Criteria: ACMG Guidelines, 2015. Collection method: clinical testing. Allele origin: germline.

CeGaT Center for Human Genetics Tuebingen
Classification: Likely benign. Last evaluated: 2022-04-01. Review status: criteria provided, single submitter. Criteria: CeGaT Center For Human Genetics Tuebingen Variant Classification Criteria Version 2. Collection method: clinical testing. Allele origin: germline. Affected: yes. Observed: 1 variant allele.
Comment: KDM1A: BP4, BP7